The following is an entry in ClinVar:

NM_000051.4(ATM):c.4761C>A (p.Pro1587=)

Gene: ATM (ATM serine/threonine kinase; plus strand). Cytogenetic location: 11q22.3.
Variant type: single nucleotide variant.
Coding change: c.4761C>A on transcript NM_000051.4 (MANE Select); coding-DNA position 4761, C replaced by A.
Protein change: p.Pro1587=; no amino-acid change (proline 1587 retained).
Molecular consequence: synonymous variant.
Genome position (GRCh38, 1-based): chr11:108,293,462, C>A. VCF-style: chr11-108293462-C-A. GRCh37 (hg19) VCF-style: chr11-108164189-C-A.
Other names: c.4761C>A, p.Pro1587= (NM_001351834.2).
Identifiers: ClinVar variation 3254519 (VCV003254519.1), dbSNP rs769562370.
Genomic context (GRCh38, chr11:108,293,462, plus strand): 5'-CCATGTTGTTTTTAAGGATTTGCGTATTACTCAGCAAAAAATCAAATACAGTAGAGGACC[C>A]TTTTCACTCTTGGAGGTAATAAAAATTTCATCATCTACTATTTTTTATTAGAGAACATAG-3'
Protein context (NP_000042.3, residues 1577-1597): TQQKIKYSRG[Pro1587=]FSLLEEINHF

ClinVar aggregate classification (germline): Benign (1 of 4 stars; one submission).

Conditions:
Familial cancer of breast. Also called: BREAST CANCER, FAMILIAL; Hereditary breast cancer; hereditary breast carcinoma. Identifiers: Orphanet 227535, MedGen C0346153, MONDO:0016419, OMIM 114480. Disease mechanism: loss of function.

Submission:

Myriad Genetics, Inc.
Classification: Benign for Familial cancer of breast. Last evaluated: 2024-05-20. Review status: criteria provided, single submitter. Criteria: Myriad Autosomal Dominant, Autosomal Recessive and X-Linked Classification Criteria (2023). Collection method: clinical testing. Allele origin: unknown.
Comment: This variant is considered benign. This variant is a silent/synonymous amino acid change and it is not expected to impact splicing.